The following is an entry in ClinVar:

ClinVar aggregate classification (germline): Conflicting classifications of pathogenicity. Review status: criteria provided, conflicting classifications (1 of 4 stars). 2 submissions from 2 submitters: Uncertain significance (1); Likely benign (1). Last evaluated 2023-03-23.

Conditions:
Hereditary cancer-predisposing syndrome. Also called: Tumor predisposition; Neoplastic Syndromes, Hereditary; Hereditary Cancer Syndrome; Hereditary neoplastic syndrome. Identifiers: Orphanet 140162, MedGen C0027672, MeSH D009386, MONDO:0015356.

Submissions (2):

University of Washington Department of Laboratory Medicine, University of Washington
Classification: Likely benign for Hereditary cancer-predisposing syndrome. Last evaluated: 2023-03-23. Review status: criteria provided, single submitter. Criteria: Dines et al. (Genet Med. 2020). Collection method: curation. Allele origin: germline.
Comment: Missense variant in a coldspot region where missense variants are very unlikely to be pathogenic (PMID:31911673).

BRCA1 coldspot (exon 11 using historical exon numbering). Reclassification based on statistical prior probability

GeneDx
Classification: Uncertain significance. Last evaluated: 2019-11-05. Review status: criteria provided, single submitter. Criteria: GeneDx Variant Classification Process June 2021. Collection method: clinical testing. Allele origin: germline. Affected: yes.
Comment: Has not been previously published as pathogenic or benign to our knowledge; Not observed in large population cohorts (Lek 2016); In silico analysis, which includes protein predictors and evolutionary conservation, supports a deleterious effect; Also known as 2278A>G

NM_007294.4(BRCA1):c.2159A>G (p.Glu720Gly)

Gene: BRCA1 (BRCA1 DNA repair associated; minus strand). Cytogenetic location: 17q21.31.
Variant type: single nucleotide variant.
Coding change: c.2159A>G on transcript NM_007294.4 (MANE Select); coding-DNA position 2159, A replaced by G.
Protein change: p.Glu720Gly; replaces glutamic acid 720 with glycine.
Molecular consequence: missense variant. On other transcripts: intron variant (137).
Genome position (GRCh38, 1-based): chr17:43,093,372, T>C on the plus strand (A>G on the coding strand, the complement: BRCA1 is on the minus strand). VCF-style: chr17-43093372-T-C. GRCh37 (hg19) VCF-style: chr17-41245389-T-C.
Other names: c.2033A>G, p.Glu678Gly (NM_001407687.1, NM_001407688.1, NM_001407689.1 and 11 more transcripts); c.2018A>G, p.Glu673Gly (NM_001407692.1, NM_001407733.1, NM_001407734.1 and 29 more transcripts); c.1946A>G, p.Glu649Gly (NM_001407571.1, NM_001407853.1, NM_001407894.1 and 9 more transcripts); c.2159A>G, p.Glu720Gly (NM_001407581.1, NM_001407582.1, NM_001407583.1 and 30 more transcripts); c.2156A>G, p.Glu719Gly (NM_001407587.1, NM_001407590.1, NM_001407591.1 and 22 more transcripts); c.2150A>G, p.Glu717Gly (NM_001407646.1, NM_001407647.1); c.2036A>G, p.Glu679Gly (NM_001407648.1, NM_001407664.1, NM_001407665.1 and 19 more transcripts); c.2081A>G, p.Glu694Gly (NM_001407653.1, NM_001407654.1, NM_001407655.1 and 4 more transcripts); and 41 more; short protein forms E673G, E720G, E592G, E608G, E649G, E650G, E678G, E694G.
Identifiers: ClinVar variation 1310166 (VCV001310166.5), dbSNP rs2053814550, ClinGen allele CA10597688.